The following is an entry in ClinVar:

ClinVar aggregate classification (germline): Uncertain significance. Review status: criteria provided, multiple submitters, no conflicts (2 of 4 stars). 3 submissions from 3 submitters: Uncertain significance (3). Last evaluated 2025-08-27.

Allele frequency attached by ClinVar (database versions not stated): ExAC 0.00001; TOPMed 0.00002; gnomAD 0.00003.
gnomAD v4.1: 10 of 1,614,134 alleles (0.00062%); highest among the groups gnomAD compares: African/African-American, 0.0093%; no homozygotes.

Submissions (3):

Ambry Genetics
Classification: Uncertain significance. Last evaluated: 2025-08-27. Review status: criteria provided, single submitter. Criteria: Ambry Variant Classification Scheme 2023. Collection method: clinical testing. Allele origin: germline.

Labcorp Genetics (formerly Invitae), Labcorp
Classification: Uncertain significance. Last evaluated: 2024-02-22. Review status: criteria provided, single submitter. Criteria: Invitae Variant Classification Sherloc (09022015). Collection method: clinical testing. Allele origin: germline.
Comment: This sequence change replaces valine, which is neutral and non-polar, with phenylalanine, which is neutral and non-polar, at codon 716 of the SEMA4A protein (p.Val716Phe). This variant is present in population databases (rs754560663, gnomAD 0.02%). This variant has not been reported in the literature in individuals affected with SEMA4A-related conditions. ClinVar contains an entry for this variant (Variation ID: 1919537). An algorithm developed to predict the effect of missense changes on protein structure and function (PolyPhen-2) suggests that this variant is likely to be disruptive. In summary, the available evidence is currently insufficient to determine the role of this variant in disease. Therefore, it has been classified as a Variant of Uncertain Significance.

Blueprint Genetics
Classification: Uncertain significance. Last evaluated: 2022-01-05. Review status: criteria provided, single submitter. Criteria: ACMG Guidelines, 2015. Collection method: clinical testing. Allele origin: germline.

NM_022367.4(SEMA4A):c.2146G>T (p.Val716Phe)

Gene: SEMA4A (semaphorin 4A; plus strand). Cytogenetic location: 1q22.
Variant type: single nucleotide variant.
Coding change: c.2146G>T on transcript NM_022367.4 (MANE Select); coding-DNA position 2146, G replaced by T.
Protein change: p.Val716Phe; replaces valine 716 with phenylalanine.
Molecular consequence: missense variant.
Genome position (GRCh38, 1-based): chr1:156,176,857, G>T. VCF-style: chr1-156176857-G-T. GRCh37 (hg19) VCF-style: chr1-156146648-G-T.
Other names: c.2146G>T (NM_022367.3); c.2146G>T, p.Val716Phe (NM_001193300.2, NM_001193301.2, NM_001370567.1); c.1750G>T, p.Val584Phe (NM_001193302.2); c.1849G>T, p.Val617Phe (NM_001370568.1); c.1639G>T, p.Val547Phe (NM_001370569.1, NM_001370571.1); short protein forms V584F, V716F, V547F, V617F.
Identifiers: ClinVar variation 1919537 (VCV001919537.7), dbSNP rs754560663, ClinGen allele CA1155535.